The following is an entry in ClinVar:

ClinVar aggregate classification (germline): Uncertain significance. Review status: criteria provided, multiple submitters, no conflicts (2 of 4 stars). 2 submissions from 2 submitters: Uncertain significance (2). Last evaluated 2026-02-26.

Conditions:
Cardiovascular phenotype. Identifiers: MedGen CN230736.
Cardiomyopathy (CMYO). Also called: Cardiomyopathies. Identifiers: Orphanet 167848, MedGen C0878544, MONDO:0004994, HP:0001638. Inheritance: Various modes of inheritance.

gnomAD v4.1: 1 of 1,613,796 alleles (0.000062%); no homozygotes.

Submissions (2):

Ambry Genetics
Classification: Uncertain significance for Cardiovascular phenotype. Last evaluated: 2026-02-26. Review status: criteria provided, single submitter. Criteria: Ambry Variant Classification Scheme 2023. Collection method: clinical testing. Allele origin: germline.

Color Diagnostics, LLC DBA Color Health
Classification: Uncertain significance for Cardiomyopathy. Last evaluated: 2023-12-04. Review status: criteria provided, single submitter. Criteria: ACMG Guidelines, 2015. Collection method: clinical testing. Allele origin: germline.
Comment: Variant of Uncertain Significance due to insufficient evidence: This missense variant replaces cysteine with tyrosine at codon 1244 of the MYBPC3 protein. Computational prediction tools and conservation analyses are inconclusive regarding the impact of this variant on the protein function. Computational splicing tools suggest that this variant may not impact RNA splicing. To our knowledge, functional assays have not been performed for this variant nor has this variant been reported in individuals affected with cardiovascular disorders in the literature. This variant is rare in the general population and has been identified in 0/277264 chromosomes by the Genome Aggregation Database (gnomAD). Available evidence is insufficient to determine the role of this variant in disease conclusively.

NM_000256.3(MYBPC3):c.3731G>A (p.Cys1244Tyr)

Gene: MYBPC3 (myosin binding protein C3; minus strand). Cytogenetic location: 11p11.2.
Variant type: single nucleotide variant.
Coding change: c.3731G>A on transcript NM_000256.3 (MANE Select); coding-DNA position 3731, G replaced by A.
Protein change: p.Cys1244Tyr; replaces cysteine 1244 with tyrosine.
Molecular consequence: missense variant.
Genome position (GRCh38, 1-based): chr11:47,332,155, C>T on the plus strand (G>A on the coding strand, the complement: MYBPC3 is on the minus strand). VCF-style: chr11-47332155-C-T. GRCh37 (hg19) VCF-style: chr11-47353706-C-T.
Other names: short protein forms C1244Y.
Identifiers: ClinVar variation 919502 (VCV000919502.6), dbSNP rs2095877743, ClinGen allele CA380311090.